The following is an entry in ClinVar:

ClinVar aggregate classification (germline): Uncertain significance. Review status: criteria provided, multiple submitters, no conflicts (2 of 4 stars). 3 submissions from 3 submitters: Uncertain significance (2). 1 of the submissions does not count toward it. Last evaluated 2025-06-18.

Allele frequency attached by ClinVar (database versions not stated): gnomAD exomes 0.00004 and 0.00008; gnomAD 0.00005; TOPMed 0.00009.
gnomAD v4.1: 66 of 1,476,706 alleles (0.0045%); highest among the groups gnomAD compares: Middle Eastern, 0.035%; no homozygotes.

Submissions (3):

Ambry Genetics
Classification: Uncertain significance. Last evaluated: 2025-06-18. Review status: criteria provided, single submitter. Criteria: Ambry Variant Classification Scheme 2023. Collection method: clinical testing. Allele origin: germline.

Breakthrough Genomics
Classification: Uncertain significance. Review status: criteria provided, single submitter. Criteria: ACMG Guidelines, 2015. Collection method: not provided. Allele origin: germline. Inheritance: Autosomal dominant inheritance. Affected: yes.

Department of Pathology and Laboratory Medicine, Sinai Health System
Classification: Uncertain significance. Review status: no assertion criteria provided. Collection method: clinical testing. Allele origin: unknown. Affected: yes. Study: The Canadian Open Genetics Repository (COGR). Not counted in ClinVar's aggregate classification.
Comment: The ZFHX2 p.Lys397Thr variant was not identified in the literature nor was it identified in ClinVar or LOVD. The variant was identified in dbSNP (ID: rs1011438379) and in control databases in 8 of 117518 chromosomes at a frequency of 0.00006807 (Genome Aggregation Database March 6, 2019, v2.1.1). The variant was observed in the following populations: Other in 2 of 3782 chromosomes (freq: 0.000529), Latino in 3 of 18574 chromosomes (freq: 0.000162) and European (non-Finnish) in 3 of 48974 chromosomes (freq: 0.000061), but was not observed in the African, Ashkenazi Jewish, East Asian, European (Finnish), or South Asian populations. The p.Lys397 residue is conserved in mammals and computational analyses (PolyPhen-2, SIFT, AlignGVGD, BLOSUM, MutationTaster) provide inconsistent predictions regarding the impact to the protein; this information is not very predictive of pathogenicity. The variant occurs outside of the splicing consensus sequence and in silico or computational prediction software programs (SpliceSiteFinder, MaxEntScan, NNSPLICE, GeneSplicer) do not predict a difference in splicing. In summary, based on the above information the clinical significance of this variant cannot be determined with certainty at this time. This variant is classified as a variant of uncertain significance.

NM_033400.3(ZFHX2):c.1190A>C (p.Lys397Thr)

Genes: ZFHX2 (zinc finger homeobox 2; minus strand), THTPA (thiamine triphosphatase; plus strand). Cytogenetic location: 14q11.2.
Variant type: single nucleotide variant.
Coding change: c.1190A>C on transcript NM_033400.3 (MANE Select); coding-DNA position 1190, A replaced by C.
Protein change: p.Lys397Thr; replaces lysine 397 with threonine.
Molecular consequence: missense variant.
Genome position (GRCh38, 1-based): chr14:23,534,136, T>G on the plus strand (A>C on the coding strand, the complement: ZFHX2 is on the minus strand). VCF-style: chr14-23534136-T-G. GRCh37 (hg19) VCF-style: chr14-24003345-T-G.
Other names: c.1190A>C (NM_033400.2); short protein forms K397T.
Identifiers: ClinVar variation 1049040 (VCV001049040.3), dbSNP rs1011438379, ClinGen allele CA257798201.
Genomic context (GRCh38, chr14:23,534,136, plus strand): 5'-TGGGGTGGGTCACTGGGGTCTTCGGGGGAGCCCACTGGGGCAGGGAGAGTGCCCCCCTCC[T>G]TGGAGGTGGGTGAGCTTTGGTTGAGTGGGGGGCAGAGCCCTCCATCCTCTTCTTGCCCCT-3'
Protein context (NP_207646.2, residues 387-407): PPLNQSSPTS[Lys397Thr]EGGTLPAPVG